The following is an entry in ClinVar:

ClinVar aggregate classification (germline): Likely benign. Review status: criteria provided, multiple submitters, no conflicts (2 of 4 stars). 3 submissions from 3 submitters: Likely benign (3). Last evaluated 2025-12-03.

Conditions:
Cardiovascular phenotype. Identifiers: MedGen CN230736.

Allele frequency attached by ClinVar (database versions not stated): gnomAD 0.00003.
gnomAD v4.1: 20 of 1,613,742 alleles (0.0012%); highest among the groups gnomAD compares: Admixed American, 0.0083%; no homozygotes.

Submissions (3):

Labcorp Genetics (formerly Invitae), Labcorp
Classification: Likely benign. Last evaluated: 2025-12-03. Review status: criteria provided, single submitter. Criteria: Invitae Variant Classification Sherloc (09022015). Collection method: clinical testing. Allele origin: germline.

Mayo Clinic Laboratories, Mayo Clinic
Classification: Likely benign. Last evaluated: 2025-10-12. Review status: criteria provided, single submitter. Criteria: ACMG Guidelines, 2015. Collection method: clinical testing. Allele origin: germline. Observed: 2 variant alleles.
Comment: BP4, BP7

Ambry Genetics
Classification: Likely benign for Cardiovascular phenotype. Last evaluated: 2023-05-27. Review status: criteria provided, single submitter. Criteria: Ambry Variant Classification Scheme 2023. Collection method: clinical testing. Allele origin: germline.

NM_001365276.2(TNXB):c.6129G>A (p.Ser2043=)

Gene: TNXB (tenascin XB; minus strand). Cytogenetic location: 6p21.33.
Variant type: single nucleotide variant.
Coding change: c.6129G>A on transcript NM_001365276.2 (MANE Select); coding-DNA position 6129, G replaced by A.
Protein change: p.Ser2043=; no amino-acid change (serine 2043 retained).
Molecular consequence: synonymous variant.
Genome position (GRCh38, 1-based): chr6:32,068,481, C>T on the plus strand (G>A on the coding strand, the complement: TNXB is on the minus strand). VCF-style: chr6-32068481-C-T. GRCh37 (hg19) VCF-style: chr6-32036258-C-T.
Other names: p.Ser2043=; c.6129G>A, p.Ser2043= (NM_019105.8).
Identifiers: ClinVar variation 2560868 (VCV002560868.4), dbSNP rs780511835, ClinGen allele CA3734526.